The following is an entry in ClinVar:

ClinVar aggregate classification (germline): Benign. Review status: reviewed by expert panel (3 of 4 stars). 14 submissions from 14 submitters: Benign (1). 13 of the submissions do not count toward it. Last evaluated 2015-08-10.

Conditions:
BRCA2-related disorder. Also called: BRCA2-related condition; BRCA2-related disorders. Identifiers: MedGen CN239275.
Hereditary cancer-predisposing syndrome. Also called: Neoplastic Syndromes, Hereditary; Hereditary neoplastic syndrome; Tumor predisposition; Hereditary Cancer Syndrome. Identifiers: Orphanet 140162, MedGen C0027672, MeSH D009386, MONDO:0015356.
Breast and/or ovarian cancer. Identifiers: MedGen CN221562.
Breast-ovarian cancer, familial, susceptibility to, 2 (BROVCA2). Also called: BRCA2 Hereditary Breast and Ovarian Cancer. Identifiers: Orphanet 145, MedGen C2675520, MONDO:0012933, OMIM 612555. Disease mechanism: loss of function.
Familial cancer of breast. Also called: BREAST CANCER, FAMILIAL; Hereditary breast cancer; hereditary breast carcinoma. Identifiers: Orphanet 227535, MedGen C0346153, MONDO:0016419, OMIM 114480. Disease mechanism: loss of function.
Hereditary breast ovarian cancer syndrome. Also called: Hereditary breast and/or ovarian cancer syndrome; Breast and ovarian cancer; BRCA1- and BRCA2-Associated Hereditary Breast and Ovarian Cancer; Hereditary breast and ovarian cancer; Hereditary breast and ovarian cancer syndrome; Hereditary breast and ovarian cancer syndrome (HBOC). Identifiers: Orphanet 145, MedGen C0677776, MeSH D061325, MONDO:0003582. Disease mechanism: loss of function.

Allele frequency attached by ClinVar (database versions not stated): ExAC 0.00001; TOPMed 0.00002; gnomAD exomes 0.00003 and 0.00007; gnomAD 0.00004.
gnomAD v4.1: 113 of 1,611,722 alleles (0.007%); highest among the groups gnomAD compares: Non-Finnish European, 0.0084%; no homozygotes.

Submissions (14):

Evidence-based Network for the Interpretation of Germline Mutant Alleles (ENIGMA)
Classification: Benign for Breast-ovarian cancer, familial 2. Last evaluated: 2015-08-10. Review status: reviewed by expert panel. Criteria: ENIGMA BRCA1/2 Classification Criteria (2015). Collection method: curation. Allele origin: germline.
Comment: IARC class based on posterior probability from multifactorial likelihood analysis, thresholds for class as per Plon et al. 2008 (PMID: 18951446). Class 1 based on posterior probability = 0.000136

Labcorp Genetics (formerly Invitae), Labcorp
Classification: Benign for Hereditary breast ovarian cancer syndrome. Last evaluated: 2025-12-30. Review status: criteria provided, single submitter. Criteria: Invitae Variant Classification Sherloc (09022015). Collection method: clinical testing. Allele origin: germline. Not counted in ClinVar's aggregate classification.

Women's Health and Genetics/Laboratory Corporation of America, LabCorp
Classification: Likely benign. Last evaluated: 2025-09-22. Review status: criteria provided, single submitter. Criteria: LabCorp Variant Classification Summary - May 2015. Collection method: clinical testing. Allele origin: germline. Not counted in ClinVar's aggregate classification.
Comment: Variant summary: BRCA2 c.4094G>A (p.Cys1365Tyr) results in a non-conservative amino acid change located in the BRCA2 repeat region, between the repeats BRC2 and BRC3 (IPR002093) of the encoded protein sequence. Algorithms developed to predict the effect of missense changes on protein structure and function are either unavailable or do not agree on the potential impact of this missense change. The variant allele was found at a frequency of 3.2e-05 in 249264 control chromosomes. The available data on variant occurrences in the general population are insufficient to allow any conclusion about variant significance. c.4094G>A has been observed in individual(s) affected with Hereditary Breast and Ovarian Cancer or other tumor phenotypes (Easton_2007, Haffty_2009, George_2013, Alsop_2012, Grant_2015, Lincoln_2015, Shindo_2017, Blair_2018); however, these reports do not provide unequivocal conclusions about association of the variant with Hereditary Breast and Ovarian Cancer. Co-occurrence with other pathogenic variants have been reported (BRCA1 c.1175_1214del, p.Leu392_Ser405fs in the BIC database), providing supporting evidence for a benign role. The variant was predicted to be neutral based on tumor pathology, clinical histories, family studies and co-occurrence with deleterious mutations (Lindor 2012) and using a model based co-occurrence in trans with a deleterious mutation, personal and family history of cancer, and analysis of co-segregation with disease (Easton 2007). To our knowledge, no experimental evidence demonstrating an impact on protein function has been reported. The following publications have been ascertained in the context of this evaluation (PMID: 22711857, 29309945, 17924331, 23633455, 25479140, 24323938, 19491284, 26207792, 21990134, 29958926, 28767289). ClinVar contains an entry for this variant (Variation ID: 37878). Based on the evidence outlined above, the variant was classified as likely benign.

Blueprint Genetics
Classification: Likely benign. Last evaluated: 2024-01-31. Review status: criteria provided, single submitter. Criteria: ACMG Guidelines, 2015. Collection method: clinical testing. Allele origin: germline. Not counted in ClinVar's aggregate classification.

Sema4
Classification: Likely benign for Hereditary cancer-predisposing syndrome. Last evaluated: 2021-05-06. Review status: criteria provided, single submitter. Criteria: Sema4 Curation Guidelines. Collection method: curation. Allele origin: germline. Not counted in ClinVar's aggregate classification.

GeneDx
Classification: Likely benign. Last evaluated: 2021-03-15. Review status: criteria provided, single submitter. Criteria: GeneDx Variant Classification Process June 2021. Collection method: clinical testing. Allele origin: germline. Affected: yes. Not counted in ClinVar's aggregate classification.
Comment: This variant is associated with the following publications: (PMID: 32659497, 29958926, 29309945, 28767289, 25479140, 27997549, 23633455, 22711857, 27376475, 21990134, 17924331, 19491284, 10923033, 24323938)

Department of Pathology and Laboratory Medicine, Sinai Health System
Classification: Likely benign for Familial cancer of breast; Breast-ovarian cancer, familial, susceptibility to, 2. Last evaluated: 2019-12-20. Review status: criteria provided, single submitter. Criteria: ACMG Guidelines, 2015. Collection method: clinical testing. Allele origin: germline. Affected: yes. Not counted in ClinVar's aggregate classification.

CHEO Genetics Diagnostic Laboratory, Children's Hospital of Eastern Ontario
Classification: Uncertain significance for Breast and/or ovarian cancer. Last evaluated: 2016-07-19. Review status: criteria provided, single submitter. Criteria: ACMG Guidelines, 2015. Collection method: clinical testing. Allele origin: germline. Study: Canadian Open Genetics Repository. Not counted in ClinVar's aggregate classification.

Color Diagnostics, LLC DBA Color Health
Classification: Benign for Hereditary cancer-predisposing syndrome. Last evaluated: 2015-12-29. Review status: criteria provided, single submitter. Criteria: ACMG Guidelines, 2015. Collection method: clinical testing. Allele origin: germline. Not counted in ClinVar's aggregate classification.

Ambry Genetics
Classification: Benign for Hereditary cancer-predisposing syndrome. Last evaluated: 2014-11-19. Review status: criteria provided, single submitter. Criteria: Ambry Variant Classification Scheme 2023. Collection method: clinical testing. Allele origin: germline. Not counted in ClinVar's aggregate classification.

PreventionGenetics, part of Exact Sciences
Classification: Likely benign for BRCA2-related condition. Last evaluated: 2019-07-19. Review status: no assertion criteria provided. Collection method: clinical testing. Allele origin: germline. Not counted in ClinVar's aggregate classification.
Comment: This variant is classified as likely benign based on ACMG/AMP sequence variant interpretation guidelines (Richards et al. 2015 PMID: 25741868, with internal and published modifications).

Counsyl
Classification: Benign for Breast-ovarian cancer, familial, susceptibility to, 2. Last evaluated: 2017-02-14. Review status: no assertion criteria provided. Collection method: clinical testing. Allele origin: unknown. Not counted in ClinVar's aggregate classification.

Sharing Clinical Reports Project (SCRP)
Classification: Benign for Breast-ovarian cancer, familial 2. Last evaluated: 2009-06-02. Review status: no assertion criteria provided. Collection method: clinical testing. Allele origin: germline. Not counted in ClinVar's aggregate classification.

Breast Cancer Information Core (BIC) (BRCA2)
Classification: Uncertain significance for Breast-ovarian cancer, familial 2. Last evaluated: 2004-02-20. Review status: no assertion criteria provided. Collection method: clinical testing. Allele origin: germline. Affected: yes. Observed: 7 variant alleles. Not counted in ClinVar's aggregate classification.

Literature cited by the submitters: PubMed 21990134 (cited by Evidence-based Network for the Interpretation of Germline Mutant Alleles (ENIGMA) and Women's Health and Genetics/Laboratory Corporation of America, LabCorp); PubMed 22711857 (cited by 3 submitters); PubMed 17924331 (cited by Women's Health and Genetics/Laboratory Corporation of America, LabCorp and Counsyl); PubMed 24323938 (cited by Women's Health and Genetics/Laboratory Corporation of America, LabCorp); PubMed 23633455 (cited by Women's Health and Genetics/Laboratory Corporation of America, LabCorp and Department of Pathology and Laboratory Medicine, Sinai Health System); PubMed 19491284 (cited by 3 submitters); PubMed 26207792 (cited by Women's Health and Genetics/Laboratory Corporation of America, LabCorp); PubMed 25479140 (cited by Women's Health and Genetics/Laboratory Corporation of America, LabCorp and Department of Pathology and Laboratory Medicine, Sinai Health System); PubMed 28767289 (cited by Women's Health and Genetics/Laboratory Corporation of America, LabCorp); PubMed 29309945 (cited by Women's Health and Genetics/Laboratory Corporation of America, LabCorp and Department of Pathology and Laboratory Medicine, Sinai Health System); PubMed 29958926 (cited by Women's Health and Genetics/Laboratory Corporation of America, LabCorp).

NM_000059.4(BRCA2):c.4094G>A (p.Cys1365Tyr)

Gene: BRCA2 (BRCA2 DNA repair associated; plus strand). Cytogenetic location: 13q13.1.
Variant type: single nucleotide variant.
Coding change: c.4094G>A on transcript NM_000059.4 (MANE Select); coding-DNA position 4094, G replaced by A.
Protein change: p.Cys1365Tyr; replaces cysteine 1365 with tyrosine.
Molecular consequence: missense variant.
Genome position (GRCh38, 1-based): chr13:32,338,449, G>A. VCF-style: chr13-32338449-G-A. GRCh37 (hg19) VCF-style: chr13-32912586-G-A.
Other names: p.C1365Y:TGT>TAT; 4322G>A; short protein forms C1365Y.
Identifiers: ClinVar variation 37878 (VCV000037878.30), dbSNP rs80358657, ClinGen allele CA019508.